The following is an entry in ClinVar:

ClinVar aggregate classification (germline): Pathogenic/Likely pathogenic. Review status: criteria provided, multiple submitters, no conflicts (2 of 4 stars). 4 submissions from 4 submitters: Pathogenic (2); Likely pathogenic (2). Last evaluated 2025-03-10.

Conditions:
Joubert syndrome. Also called: Familial aplasia of the vermis; JOUBERT-BOLTSHAUSER SYNDROME. Identifiers: Orphanet 475, MedGen C5979921, MONDO:0018772.
Nephronophthisis. Also called: Juvenile Nephronophthisis. Identifiers: Orphanet 655, MedGen C0687120, MONDO:0019005, HP:0000090.
Meckel-Gruber syndrome. Also called: Dysencephalia splachnocystica; DYSENCEPHALIA SPLANCHNOCYSTICA; GRUBER SYNDROME. Identifiers: Orphanet 564, MedGen C0265215, MONDO:0018921.
CEP290-related disorder. Also called: CEP290-related disorders; CEP290-related condition. Identifiers: MedGen CN239314.
Leber congenital amaurosis (LCA). Also called: Leber's amaurosis. Identifiers: Orphanet 65, MedGen C0339527, MeSH D057130, MONDO:0018998.

Submissions (4):

Natera, Inc.
Classification: Likely pathogenic for Leber congenital amaurosis. Last evaluated: 2025-03-10. Review status: criteria provided, single submitter. Criteria: Natera Variant Classification Schema (03/2026). Collection method: clinical testing. Allele origin: germline.
Comment: The c.1665_1666del variant in CEP290 is a frameshift variant predicted to shift the reading frame beginning at codon 555 and leads to a stop codon 20 codons downstream. This variant is expected to result in nonsense mediated decay, truncation, or a dysfunctional protein product. This variant is rare in the general population with a frequency below the threshold expected for the associated phenotype(s). Given the available evidence, this variant is classified as Likely Pathogenic.

Labcorp Genetics (formerly Invitae), Labcorp
Classification: Pathogenic for Joubert syndrome; Meckel-Gruber syndrome; Nephronophthisis. Last evaluated: 2024-03-03. Review status: criteria provided, single submitter. Criteria: Invitae Variant Classification Sherloc (09022015). Collection method: clinical testing. Allele origin: germline.
Comment: This sequence change creates a premature translational stop signal (p.Lys555Asnfs*20) in the CEP290 gene. It is expected to result in an absent or disrupted protein product. Loss-of-function variants in CEP290 are known to be pathogenic (PMID: 16909394, 17345604, 20690115). This variant is not present in population databases (gnomAD no frequency). This variant has not been reported in the literature in individuals affected with CEP290-related conditions. ClinVar contains an entry for this variant (Variation ID: 166837). For these reasons, this variant has been classified as Pathogenic.

Blueprint Genetics
Classification: Likely pathogenic for CEP290-related disorders. Last evaluated: 2018-07-31. Review status: criteria provided, single submitter. Criteria: ACMG Guidelines, 2015. Collection method: clinical testing. Allele origin: germline. Affected: yes. Observed: 1 variant allele.

Eurofins Ntd Llc (ga)
Classification: Pathogenic. Last evaluated: 2014-01-09. Review status: criteria provided, single submitter. Criteria: EGL Classification Definitions. Collection method: clinical testing. Allele origin: germline. Observed: 1 variant allele, 1 heterozygote.

Literature cited by the submitters: PubMed 16909394 (cited by Labcorp Genetics (formerly Invitae), Labcorp); PubMed 17345604 (cited by Labcorp Genetics (formerly Invitae), Labcorp); PubMed 20690115 (cited by Labcorp Genetics (formerly Invitae), Labcorp).

NM_025114.4(CEP290):c.1665_1666del (p.Lys555fs)

Gene: CEP290 (centrosomal protein 290; minus strand). Cytogenetic location: 12q21.32.
Variant type: Deletion.
Coding change: c.1665_1666del on transcript NM_025114.4 (MANE Select); coding-DNA positions 1665 to 1666, 2 bases deleted (AA; older notation c.1665_1666delAA).
Protein change: p.Lys555fs; shifts the reading frame from lysine 555.
Molecular consequence: frameshift variant.
Genome position (GRCh38, 1-based): chr12:88,118,528-88,118,529, TT deleted on the plus strand (AA on the coding strand, the reverse complement: CEP290 is on the minus strand); deleting any 2 consecutive bases within chr12:88,118,528-88,118,537 gives the same sequence; the c. name uses the placement nearest the transcript's 3' end. VCF-style (leftmost placement, unchanged base first): chr12-88118527-ATT-A. GRCh37 (hg19) VCF-style: chr12-88512304-ATT-A.
Other names: c.1665_1666del (NM_025114.3); short protein forms K555fs.
Identifiers: ClinVar variation 166837 (VCV000166837.12), dbSNP rs727503855, ClinGen allele CA233679.